The following is an entry in ClinVar:

NM_016648.4(LARP7):c.387+5G>C

Gene: LARP7 (La ribonucleoprotein 7, transcriptional regulator; plus strand). Cytogenetic location: 4q25.
Variant type: single nucleotide variant.
Coding change: c.387+5G>C on transcript NM_016648.4 (MANE Select); 5 bases into the intron after coding-DNA position 387, G replaced by C.
Molecular consequence: intron variant.
Genome position (GRCh38, 1-based): chr4:112,646,676, G>C. VCF-style: chr4-112646676-G-C. GRCh37 (hg19) VCF-style: chr4-113567832-G-C.
Other names: c.387+5G>C (NM_001267039.4, NM_001370974.1, NM_001370976.1 and 6 more transcripts); c.150+5G>C (NM_001370982.1, NM_001370981.1).
Identifiers: ClinVar variation 1503070 (VCV001503070.28), dbSNP rs753688074, ClinGen allele CA440832045.

ClinVar aggregate classification (germline): Uncertain significance. Review status: criteria provided, multiple submitters, no conflicts (2 of 4 stars). 2 submissions from 2 submitters: Uncertain significance (2). Last evaluated 2024-10-29.

gnomAD v4.1: 1 of 1,590,476 alleles (0.000063%); highest among the groups gnomAD compares: Non-Finnish European, 0.000085%; no homozygotes.

Submissions (2):

Labcorp Genetics (formerly Invitae), Labcorp
Classification: Uncertain significance. Last evaluated: 2024-10-29. Review status: criteria provided, single submitter. Criteria: Invitae Variant Classification Sherloc (09022015). Collection method: clinical testing. Allele origin: germline.
Comment: This sequence change falls in intron 4 of the LARP7 gene. It does not directly change the encoded amino acid sequence of the LARP7 protein. It affects a nucleotide within the consensus splice site. This variant is not present in population databases (gnomAD no frequency). This variant has not been reported in the literature in individuals affected with LARP7-related conditions. ClinVar contains an entry for this variant (Variation ID: 1503070). Variants that disrupt the consensus splice site are a relatively common cause of aberrant splicing (PMID: 17576681, 9536098). Algorithms developed to predict the effect of sequence changes on RNA splicing suggest that this variant may disrupt the consensus splice site. In summary, the available evidence is currently insufficient to determine the role of this variant in disease. Therefore, it has been classified as a Variant of Uncertain Significance.

CeGaT Center for Human Genetics Tuebingen
Classification: Uncertain significance. Last evaluated: 2024-03-01. Review status: criteria provided, single submitter. Criteria: CeGaT Center For Human Genetics Tuebingen Variant Classification Criteria Version 2. Collection method: clinical testing. Allele origin: germline. Affected: yes. Observed: 3 variant alleles.
Comment: LARP7: PM2, PM3:Supporting, PP3

Literature cited by the submitters: PubMed 17576681 (cited by Labcorp Genetics (formerly Invitae), Labcorp); PubMed 9536098 (cited by Labcorp Genetics (formerly Invitae), Labcorp).